The following is an entry in ClinVar:

ClinVar aggregate classification (germline): Pathogenic. Review status: reviewed by expert panel (3 of 4 stars). 4 submissions from 4 submitters: Pathogenic (1). 3 of the submissions do not count toward it. Last evaluated 2017-12-15.

Conditions:
Hereditary breast ovarian cancer syndrome. Also called: Hereditary breast and ovarian cancer syndrome; Hereditary breast and ovarian cancer; Hereditary breast and ovarian cancer syndrome (HBOC); Breast and ovarian cancer; Hereditary breast and/or ovarian cancer syndrome; BRCA1- and BRCA2-Associated Hereditary Breast and Ovarian Cancer. Identifiers: Orphanet 145, MedGen C0677776, MeSH D061325, MONDO:0003582. Disease mechanism: loss of function.
Hereditary cancer-predisposing syndrome. Also called: Neoplastic Syndromes, Hereditary; Tumor predisposition; Hereditary neoplastic syndrome; Hereditary Cancer Syndrome. Identifiers: Orphanet 140162, MedGen C0027672, MeSH D009386, MONDO:0015356.
Breast-ovarian cancer, familial, susceptibility to, 2 (BROVCA2). Also called: BRCA2 Hereditary Breast and Ovarian Cancer. Identifiers: Orphanet 145, MedGen C2675520, MONDO:0012933, OMIM 612555. Disease mechanism: loss of function.
Familial cancer of breast. Also called: BREAST CANCER, FAMILIAL; Hereditary breast cancer; hereditary breast carcinoma. Identifiers: Orphanet 227535, MedGen C0346153, MONDO:0016419, OMIM 114480. Disease mechanism: loss of function.

Submissions (4):

Evidence-based Network for the Interpretation of Germline Mutant Alleles (ENIGMA)
Classification: Pathogenic for Breast-ovarian cancer, familial, susceptibility to, 2. Last evaluated: 2017-12-15. Review status: reviewed by expert panel. Criteria: ENIGMA BRCA1/2 Classification Criteria (2017-06-29). Collection method: curation. Allele origin: germline. Study: ENIGMA.
Comment: Variant allele predicted to encode a truncated non-functional protein.

Labcorp Genetics (formerly Invitae), Labcorp
Classification: Pathogenic for Hereditary breast ovarian cancer syndrome. Last evaluated: 2026-01-28. Review status: criteria provided, single submitter. Criteria: Invitae Variant Classification Sherloc (09022015). Collection method: clinical testing. Allele origin: germline. Not counted in ClinVar's aggregate classification.
Comment: This sequence change creates a premature translational stop signal (p.Ser2267*) in the BRCA2 gene. It is expected to result in an absent or disrupted protein product. Loss-of-function variants in BRCA2 are known to be pathogenic (PMID: 20104584). This variant is not present in population databases (gnomAD no frequency). This premature translational stop signal has been observed in individual(s) with breast cancer (PMID: 21614564, 29566657). This variant is also known as c.7028C>A. ClinVar contains an entry for this variant (Variation ID: 52190). For these reasons, this variant has been classified as Pathogenic.

Ambry Genetics
Classification: Pathogenic for Hereditary cancer-predisposing syndrome. Last evaluated: 2024-04-23. Review status: criteria provided, single submitter. Criteria: Ambry Variant Classification Scheme 2023. Collection method: clinical testing. Allele origin: germline. Not counted in ClinVar's aggregate classification.
Comment: The p.S2267* pathogenic mutation (also known as c.6800C>A), located in coding exon 10 of the BRCA2 gene, results from a C to A substitution at nucleotide position 6800. This changes the amino acid from a serine to a stop codon within coding exon 10. This variant was reported in multiple individuals with features consistent with BRCA2-related hereditary breast and ovarian cancer syndrome (Zhang J et al. Breast Cancer Res Treat, 2012 Apr;132:421-8; Lang GT et al. Int J Cancer, 2017 Jul;141:129-142; Wang YA et al. BMC Cancer, 2018 Mar;18:315; Yao L et al. J Hum Genet, 2022 Nov;67:639-642). Of note, this variant is also designated as 7028C>A in the published literature. This variant is considered to be rare based on population cohorts in the Genome Aggregation Database (gnomAD). In addition to the clinical data presented in the literature, this alteration is expected to result in loss of function by premature protein truncation or nonsense-mediated mRNA decay. As such, this alteration is interpreted as a disease-causing mutation.

ClinVar Staff, National Center for Biotechnology Information (NCBI)
No classification provided. Condition: Familial cancer of breast. Review status: no classification provided. Collection method: literature only. Allele origin: germline. Affected: yes. Not counted in ClinVar's aggregate classification.

Literature cited by the submitters: PubMed 20104584 (cited by Labcorp Genetics (formerly Invitae), Labcorp); PubMed 21614564 (cited by 3 submitters); PubMed 29566657 (cited by Labcorp Genetics (formerly Invitae), Labcorp and Ambry Genetics); PubMed 28294317 (cited by Ambry Genetics); PubMed 35864222 (cited by Ambry Genetics).

NM_000059.4(BRCA2):c.6800C>A (p.Ser2267Ter)

Gene: BRCA2 (BRCA2 DNA repair associated; plus strand). Cytogenetic location: 13q13.1.
Variant type: single nucleotide variant.
Coding change: c.6800C>A on transcript NM_000059.4 (MANE Select); coding-DNA position 6800, C replaced by A.
Protein change: p.Ser2267Ter; replaces serine 2267 with a stop codon.
Molecular consequence: nonsense.
Genome position (GRCh38, 1-based): chr13:32,341,155, C>A. VCF-style: chr13-32341155-C-A. GRCh37 (hg19) VCF-style: chr13-32915292-C-A.
Other names: short protein forms S2267*.
Identifiers: ClinVar variation 52190 (VCV000052190.12), dbSNP rs377698594, ClinGen allele CA024416.